The following is an entry in ClinVar:

ClinVar aggregate classification (germline): Uncertain significance. Review status: criteria provided, multiple submitters, no conflicts (2 of 4 stars). 2 submissions from 2 submitters: Uncertain significance (2). Last evaluated 2025-11-17.

Allele frequency attached by ClinVar (database versions not stated): gnomAD 0.00001; TOPMed 0.00002.
gnomAD v4.1: 11 of 1,613,606 alleles (0.00068%); highest among the groups gnomAD compares: Non-Finnish European, 0.00085%; no homozygotes.

Submissions (2):

Labcorp Genetics (formerly Invitae), Labcorp
Classification: Uncertain significance. Last evaluated: 2025-11-17. Review status: criteria provided, single submitter. Criteria: Invitae Variant Classification Sherloc (09022015). Collection method: clinical testing. Allele origin: germline.
Comment: This sequence change replaces alanine, which is neutral and non-polar, with valine, which is neutral and non-polar, at codon 338 of the SORL1 protein (p.Ala338Val). This variant is not present in population databases (gnomAD no frequency). This variant has not been reported in the literature in individuals affected with SORL1-related conditions. ClinVar contains an entry for this variant (Variation ID: 1399542). An algorithm developed to predict the effect of missense changes on protein structure and function (PolyPhen-2) suggests that this variant is likely to be disruptive. In summary, the available evidence is currently insufficient to determine the role of this variant in disease. Therefore, it has been classified as a Variant of Uncertain Significance.

Ambry Genetics
Classification: Uncertain significance. Last evaluated: 2024-01-22. Review status: criteria provided, single submitter. Criteria: Ambry Variant Classification Scheme 2023. Collection method: clinical testing. Allele origin: germline.

NM_003105.6(SORL1):c.1013C>T (p.Ala338Val)

Gene: SORL1 (sortilin related receptor 1; plus strand). Cytogenetic location: 11q24.1.
Variant type: single nucleotide variant.
Coding change: c.1013C>T on transcript NM_003105.6 (MANE Select); coding-DNA position 1013, C replaced by T.
Protein change: p.Ala338Val; replaces alanine 338 with valine.
Molecular consequence: missense variant.
Genome position (GRCh38, 1-based): chr11:121,513,076, C>T. VCF-style: chr11-121513076-C-T. GRCh37 (hg19) VCF-style: chr11-121383785-C-T.
Other names: c.1013C>T (NM_003105.5); short protein forms A338V.
Identifiers: ClinVar variation 1399542 (VCV001399542.9), dbSNP rs1483653291, ClinGen allele CA383021397.